The following is an entry in ClinVar:

ClinVar aggregate classification (germline): Likely benign (1 of 4 stars; one submission).

Submission:

CeGaT Center for Human Genetics Tuebingen
Classification: Likely benign. Last evaluated: 2022-12-01. Review status: criteria provided, single submitter. Criteria: CeGaT Center For Human Genetics Tuebingen Variant Classification Criteria Version 2. Collection method: clinical testing. Allele origin: germline. Affected: yes. Observed: 1 variant allele.
Comment: TLR2: PM2:Supporting, BP4, BP7

NM_001318789.2(TLR2):c.693T>C (p.Asp231=)

Gene: TLR2 (toll like receptor 2; plus strand). Cytogenetic location: 4q31.3.
Variant type: single nucleotide variant.
Coding change: c.693T>C on transcript NM_001318789.2 (MANE Select); coding-DNA position 693, T replaced by C.
Protein change: p.Asp231=; no amino-acid change (aspartic acid 231 retained).
Molecular consequence: synonymous variant.
Genome position (GRCh38, 1-based): chr4:153,703,600, T>C. VCF-style: chr4-153703600-T-C. GRCh37 (hg19) VCF-style: chr4-154624752-T-C.
Other names: c.693T>C, p.Asp231= (NM_001318787.2, NM_001318790.2, NM_001318791.2 and 4 more transcripts).
Identifiers: ClinVar variation 2655137 (VCV002655137.24), dbSNP rs2535420494, ClinGen allele CA442007429.
Genomic context (GRCh38, chr4:153,703,600, plus strand): 5'-TTTACTGCTGGAGATTTTTGTAGATGTTACAAGTTCCGTGGAATGTTTGGAACTGCGAGA[T>C]ACTGATTTGGACACTTTCCATTTTTCAGAACTATCCACTGGTGAAACAAATTCATTGATT-3'
Protein context (NP_001305718.1, residues 221-241): TSSVECLELR[Asp231=]TDLDTFHFSE